The following is an entry in ClinVar:

ClinVar aggregate classification (germline): Conflicting classifications of pathogenicity. Review status: criteria provided, conflicting classifications (1 of 4 stars). 2 submissions from 2 submitters: Pathogenic (1); Uncertain significance (1). Last evaluated 2025-08-11.

Conditions:
Familial adenomatous polyposis 4 (FAP4). Also called: MSH3-related attenuated familial adenomatous polyposis. Identifiers: Orphanet 480536, MedGen C4310719, MONDO:0044300, OMIM 617100.

Submissions (2):

Labcorp Genetics (formerly Invitae), Labcorp
Classification: Uncertain significance. Last evaluated: 2025-08-11. Review status: criteria provided, single submitter. Criteria: Invitae Variant Classification Sherloc (09022015). Collection method: clinical testing. Allele origin: germline.
Comment: This sequence change creates a premature translational stop signal (p.Ala1086Glufs*12) in the MSH3 gene. While this is not anticipated to result in nonsense mediated decay, it is expected to disrupt the last 52 amino acid(s) of the MSH3 protein. This variant is not present in population databases (gnomAD no frequency). This variant has not been reported in the literature in individuals affected with MSH3-related conditions. ClinVar contains an entry for this variant (Variation ID: 2673526). In summary, the available evidence is currently insufficient to determine the role of this variant in disease. Therefore, it has been classified as a Variant of Uncertain Significance.

Myriad Genetics, Inc.
Classification: Pathogenic for Familial adenomatous polyposis 4. Last evaluated: 2023-08-31. Review status: criteria provided, single submitter. Criteria: Myriad Autosomal Dominant, Autosomal Recessive and X-Linked Classification Criteria (2023). Collection method: clinical testing. Allele origin: unknown.
Comment: This variant is considered pathogenic. This variant creates a frameshift predicted to result in premature protein truncation.

NM_002439.5(MSH3):c.3255_3256dup (p.Ala1086fs)

Gene: MSH3 (mutS homolog 3; plus strand). Cytogenetic location: 5q14.1.
Variant type: Duplication.
Coding change: c.3255_3256dup on transcript NM_002439.5 (MANE Select); coding-DNA positions 3255 to 3256, 2 bases duplicated (AG; older notation c.3255_3256dupAG).
Protein change: p.Ala1086fs; shifts the reading frame from alanine 1086.
Molecular consequence: frameshift variant.
Genome position (GRCh38, 1-based): chr5:80,873,240-80,873,241, AG duplicated. VCF-style (leftmost placement, unchanged base first): chr5-80873239-A-AAG. GRCh37 (hg19) VCF-style: chr5-80169058-A-AAG.
Other names: short protein forms A1086fs.
Identifiers: ClinVar variation 2673526 (VCV002673526.4), dbSNP rs2478805419, ClinGen allele CA2695198702.